The following is an entry in ClinVar:

NM_001458.5(FLNC):c.353-6C>T

Gene: FLNC (filamin C; plus strand). Cytogenetic location: 7q32.1.
Variant type: single nucleotide variant.
Coding change: c.353-6C>T on transcript NM_001458.5 (MANE Select); 6 bases into the intron before coding-DNA position 353, C replaced by T.
Molecular consequence: intron variant.
Genome position (GRCh38, 1-based): chr7:128,835,320, C>T. VCF-style: chr7-128835320-C-T. GRCh37 (hg19) VCF-style: chr7-128475374-C-T.
Other names: c.353-6C>T (NM_001127487.2, NM_001458.4).
Identifiers: ClinVar variation 1099664 (VCV001099664.10), dbSNP rs748284739, ClinGen allele CA4474024.

ClinVar aggregate classification (germline): Likely benign. Review status: criteria provided, multiple submitters, no conflicts (2 of 4 stars). 2 submissions from 2 submitters: Likely benign (2). Last evaluated 2025-12-16.

Conditions:
FLNC-related disorder. Also called: FLNC-related disorders; FLNC-related condition.
Distal myopathy with posterior leg and anterior hand involvement. Also called: WILLIAMS DISTAL MYOPATHY. Identifiers: Orphanet 63273, MedGen C3279722, MONDO:0013550, OMIM 614065.
Hypertrophic cardiomyopathy 26. Also called: Cardiomyopathy, familial hypertrophic, 26. Identifiers: Orphanet 75249, MedGen C4310749, MONDO:0014883, OMIM 617047.
Myofibrillar myopathy 5. Also called: Filaminopathy (type); FILAMINOPATHY, AUTOSOMAL DOMINANT. Identifiers: Orphanet 171445, MedGen C1836050, MONDO:0012289, OMIM 609524.

Allele frequency attached by ClinVar (database versions not stated): gnomAD exomes below 0.00001 and 0.00001; gnomAD 0.00001; TOPMed 0.00001; ExAC 0.00002.
gnomAD v4.1: 4 of 1,613,236 alleles (0.00025%); highest among the groups gnomAD compares: Non-Finnish European, 0.00034%; no homozygotes.

Submissions (2):

PreventionGenetics, part of Exact Sciences
Classification: Likely benign for FLNC-related condition. Last evaluated: 2025-12-16. Review status: criteria provided, single submitter. Criteria: ACMG Guidelines, 2015. Collection method: clinical testing. Allele origin: germline.
Comment: This variant is classified as likely benign based on ACMG/AMP sequence variant interpretation guidelines (Richards et al. 2015 PMID: 25741868, with internal and published modifications).

Labcorp Genetics (formerly Invitae), Labcorp
Classification: Likely benign for Distal myopathy with posterior leg and anterior hand involvement; Myofibrillar myopathy 5; Hypertrophic cardiomyopathy 26. Last evaluated: 2024-08-19. Review status: criteria provided, single submitter. Criteria: Invitae Variant Classification Sherloc (09022015). Collection method: clinical testing. Allele origin: germline.